The following is an entry in ClinVar:

NM_007294.4(BRCA1):c.2372T>C (p.Leu791Pro)

Gene: BRCA1 (BRCA1 DNA repair associated; minus strand). Cytogenetic location: 17q21.31.
Variant type: single nucleotide variant.
Coding change: c.2372T>C on transcript NM_007294.4 (MANE Select); coding-DNA position 2372, T replaced by C.
Protein change: p.Leu791Pro; replaces leucine 791 with proline.
Molecular consequence: missense variant. On other transcripts: intron variant (137).
Genome position (GRCh38, 1-based): chr17:43,093,159, A>G on the plus strand (T>C on the coding strand, the complement: BRCA1 is on the minus strand). VCF-style: chr17-43093159-A-G. GRCh37 (hg19) VCF-style: chr17-41245176-A-G.
Other names: c.2159T>C, p.Leu720Pro (NM_001407894.1, NM_001407895.1, NM_001407896.1 and 9 more transcripts); c.2162T>C, p.Leu721Pro (NM_001407900.1, NM_001407902.1, NM_001407908.1 and 13 more transcripts); c.2249T>C, p.Leu750Pro (NM_001407919.1, NM_001407648.1, NM_001407664.1 and 19 more transcripts); c.2108T>C, p.Leu703Pro (NM_001407920.1, NM_001407921.1, NM_001407922.1 and 9 more transcripts); c.2105T>C, p.Leu702Pro (NM_001407930.1, NM_001407931.1, NM_001407932.1 and 2 more transcripts); c.2372T>C, p.Leu791Pro (NM_001407581.1, NM_001407582.1, NM_001407583.1 and 30 more transcripts); c.2369T>C, p.Leu790Pro (NM_001407587.1, NM_001407590.1, NM_001407591.1 and 22 more transcripts); c.2363T>C, p.Leu788Pro (NM_001407646.1, NM_001407647.1); and 41 more; short protein forms L495P, L623P, L663P, L664P, L679P, L680P, L702P, L703P.
Identifiers: ClinVar variation 2691148 (VCV002691148.3), dbSNP rs774730386, ClinGen allele CA10597264.

ClinVar aggregate classification (germline): Uncertain significance. Review status: criteria provided, multiple submitters, no conflicts (2 of 4 stars). 2 submissions from 2 submitters: Uncertain significance (2). Last evaluated 2025-11-08.

Conditions:
Hereditary cancer-predisposing syndrome. Also called: Neoplastic Syndromes, Hereditary; Hereditary Cancer Syndrome; Tumor predisposition; Hereditary neoplastic syndrome. Identifiers: Orphanet 140162, MedGen C0027672, MeSH D009386, MONDO:0015356.
Breast and/or ovarian cancer. Identifiers: MedGen CN221562.

gnomAD v4.1: 4 of 1,613,760 alleles (0.00025%); highest among the groups gnomAD compares: Non-Finnish European, 0.00034%; no homozygotes.

Submissions (2):

Ambry Genetics
Classification: Uncertain significance for Hereditary cancer-predisposing syndrome. Last evaluated: 2025-11-08. Review status: criteria provided, single submitter. Criteria: Ambry Variant Classification Scheme 2023. Collection method: clinical testing. Allele origin: germline.
Comment: The p.L791P variant (also known as c.2372T>C), located in coding exon 9 of the BRCA1 gene, results from a T to C substitution at nucleotide position 2372. The leucine at codon 791 is replaced by proline, an amino acid with similar properties. This amino acid position is not well conserved in available vertebrate species. In addition, this alteration is predicted to be tolerated by in silico analysis. Since supporting evidence is limited at this time, the clinical significance of this alteration remains unclear.

CHEO Genetics Diagnostic Laboratory, Children's Hospital of Eastern Ontario
Classification: Uncertain significance for Breast and/or ovarian cancer. Last evaluated: 2022-12-05. Review status: criteria provided, single submitter. Criteria: ACMG Guidelines, 2015. Collection method: clinical testing. Allele origin: germline.